The following is an entry in ClinVar:

ClinVar aggregate classification (germline): Uncertain significance. Review status: criteria provided, single submitter (1 of 4 stars). 2 submissions from 2 submitters: Uncertain significance (1). 1 of the submissions does not count toward it. Last evaluated 2022-05-28.

Conditions:
FANCA-related disorder. Also called: FANCA-related condition.
Fanconi anemia (FA). Also called: Fanconi's anemia. Identifiers: Orphanet 84, MedGen C0015625, MeSH D005199, MONDO:0019391.

gnomAD v4.1: 1 of 1,614,186 alleles (0.000062%); highest among the groups gnomAD compares: East Asian, 0.0022%; no homozygotes.

Submissions (2):

Labcorp Genetics (formerly Invitae), Labcorp
Classification: Uncertain significance for Fanconi anemia. Last evaluated: 2022-05-28. Review status: criteria provided, single submitter. Criteria: Invitae Variant Classification Sherloc (09022015). Collection method: clinical testing. Allele origin: germline.
Comment: This sequence change replaces leucine, which is neutral and non-polar, with phenylalanine, which is neutral and non-polar, at codon 548 of the FANCA protein (p.Leu548Phe). This variant is not present in population databases (gnomAD no frequency). This variant has not been reported in the literature in individuals affected with FANCA-related conditions. Advanced modeling of protein sequence and biophysical properties (such as structural, functional, and spatial information, amino acid conservation, physicochemical variation, residue mobility, and thermodynamic stability) performed at Invitae indicates that this missense variant is not expected to disrupt FANCA protein function. In summary, the available evidence is currently insufficient to determine the role of this variant in disease. Therefore, it has been classified as a Variant of Uncertain Significance.

PreventionGenetics, part of Exact Sciences
Classification: Uncertain significance for FANCA-related condition. Last evaluated: 2023-11-28. Review status: no assertion criteria provided. Collection method: clinical testing. Allele origin: germline. Not counted in ClinVar's aggregate classification.
Comment: The FANCA c.1642C>T variant is predicted to result in the amino acid substitution p.Leu548Phe. To our knowledge, this variant has not been reported in the literature or in a large population database, indicating this variant is rare. At this time, the clinical significance of this variant is uncertain due to the absence of conclusive functional and genetic evidence.

NM_000135.4(FANCA):c.1642C>T (p.Leu548Phe)

Gene: FANCA (FA complementation group A; minus strand). Cytogenetic location: 16q24.3.
Variant type: single nucleotide variant.
Coding change: c.1642C>T on transcript NM_000135.4 (MANE Select); coding-DNA position 1642, C replaced by T.
Protein change: p.Leu548Phe; replaces leucine 548 with phenylalanine.
Molecular consequence: missense variant.
Genome position (GRCh38, 1-based): chr16:89,779,942, G>A on the plus strand (C>T on the coding strand, the complement: FANCA is on the minus strand). VCF-style: chr16-89779942-G-A. GRCh37 (hg19) VCF-style: chr16-89846350-G-A.
Other names: c.1642C>T, p.Leu548Phe (NM_001286167.3); short protein forms L548F.
Identifiers: ClinVar variation 1953039 (VCV001953039.4), dbSNP rs2039644259, ClinGen allele CA397456496.